The following is an entry in ClinVar:

NM_018109.3:c.-5del

Gene: MTPAP (mitochondrial poly(A) polymerase; minus strand).
Variant type: Deletion.
Identifiers: ClinVar variation 4683501 (VCV004683501.1).

ClinVar aggregate classification (germline): Benign (1 of 4 stars; one submission).

Submission:

Mayo Clinic Laboratories, Mayo Clinic
Classification: Benign. Last evaluated: 2022-10-13. Review status: criteria provided, single submitter. Criteria: ACMG Guidelines, 2015. Collection method: clinical testing. Allele origin: germline. Observed: 69 variant alleles.
Comment: BA1